The following is an entry in ClinVar:

NM_000059.4(BRCA2):c.5655C>A (p.Cys1885Ter)

Gene: BRCA2 (BRCA2 DNA repair associated; plus strand). Cytogenetic location: 13q13.1.
Variant type: single nucleotide variant.
Coding change: c.5655C>A on transcript NM_000059.4 (MANE Select); coding-DNA position 5655, C replaced by A.
Protein change: p.Cys1885Ter; replaces cysteine 1885 with a stop codon.
Molecular consequence: nonsense.
Genome position (GRCh38, 1-based): chr13:32,340,010, C>A. VCF-style: chr13-32340010-C-A. GRCh37 (hg19) VCF-style: chr13-32914147-C-A.
Other names: p.C1885*:TGC>TGA; short protein forms C1885*.
Identifiers: ClinVar variation 37985 (VCV000037985.36), dbSNP rs80358789, ClinGen allele CA022870.
Genomic context (GRCh38, chr13:32,340,010, plus strand): 5'-ATTTACAGACAGTTTCAGTAAAGTAATTAAGGAAAACAACGAGAATAAATCAAAAATTTG[C>A]CAAACGAAAATTATGGCAGGTTGTTACGAGGCATTGGATGATTCAGAGGATATTCTTCAT-3'

ClinVar aggregate classification (germline): Pathogenic. Review status: reviewed by expert panel (3 of 4 stars). 15 submissions from 15 submitters: Pathogenic (1). 14 of the submissions do not count toward it. Last evaluated 2016-09-08.

Conditions:
Hereditary cancer-predisposing syndrome. Also called: Hereditary neoplastic syndrome; Neoplastic Syndromes, Hereditary; Tumor predisposition; Hereditary Cancer Syndrome. Identifiers: Orphanet 140162, MedGen C0027672, MeSH D009386, MONDO:0015356.
Hereditary breast ovarian cancer syndrome. Also called: Breast and ovarian cancer; Hereditary breast and ovarian cancer syndrome; Hereditary breast and/or ovarian cancer syndrome; BRCA1- and BRCA2-Associated Hereditary Breast and Ovarian Cancer; Hereditary breast and ovarian cancer; Hereditary breast and ovarian cancer syndrome (HBOC). Identifiers: Orphanet 145, MedGen C0677776, MeSH D061325, MONDO:0003582. Disease mechanism: loss of function.
Breast-ovarian cancer, familial, susceptibility to, 2 (BROVCA2). Also called: BRCA2 Hereditary Breast and Ovarian Cancer. Identifiers: Orphanet 145, MedGen C2675520, MONDO:0012933, OMIM 612555. Disease mechanism: loss of function.

gnomAD v4.1: 1 of 1,612,640 alleles (0.000062%); highest among the groups gnomAD compares: Non-Finnish European, 0.000085%; no homozygotes.

Submissions (15):

Evidence-based Network for the Interpretation of Germline Mutant Alleles (ENIGMA)
Classification: Pathogenic for Breast-ovarian cancer, familial, susceptibility to, 2. Last evaluated: 2016-09-08. Review status: reviewed by expert panel. Criteria: ENIGMA BRCA1/2 Classification Criteria (2015). Collection method: curation. Allele origin: germline.
Comment: Variant allele predicted to encode a truncated non-functional protein.

GeneDx
Classification: Pathogenic. Last evaluated: 2026-09-03. Review status: criteria provided, single submitter. Criteria: GeneDx Variant Classification Process June 2021. Collection method: clinical testing. Allele origin: germline. Not counted in ClinVar's aggregate classification.
Comment: Reported in association with breast and ovarian cancer (PMID: 25186627, 28888541); Nonsense variant predicted to result in protein truncation or nonsense mediated decay in a gene for which loss of function is a known mechanism of disease; Truncating variants in this gene are considered pathogenic by a well-established clinical consortium and/or database; Not observed at significant frequency in large population cohorts (gnomAD); Also known as 5883C>A; This variant is associated with the following publications: (PMID: 25186627, 31589614, 30787465, 12228710, 29446198, 28888541)

Labcorp Genetics (formerly Invitae), Labcorp
Classification: Pathogenic for Hereditary breast ovarian cancer syndrome. Last evaluated: 2026-01-16. Review status: criteria provided, single submitter. Criteria: Invitae Variant Classification Sherloc (09022015). Collection method: clinical testing. Allele origin: germline. Not counted in ClinVar's aggregate classification.
Comment: This sequence change creates a premature translational stop signal (p.Cys1885*) in the BRCA2 gene. It is expected to result in an absent or disrupted protein product. Loss-of-function variants in BRCA2 are known to be pathogenic (PMID: 20104584). This variant is not present in population databases (gnomAD no frequency). This premature translational stop signal has been observed in individual(s) with breast cancer (PMID: 25186627). ClinVar contains an entry for this variant (Variation ID: 37985). For these reasons, this variant has been classified as Pathogenic.

Quest Diagnostics Nichols Institute San Juan Capistrano
Classification: Pathogenic. Last evaluated: 2025-10-28. Review status: criteria provided, single submitter. Criteria: Quest Diagnostics criteria. Collection method: clinical testing. Allele origin: unknown. Not counted in ClinVar's aggregate classification.
Comment: The BRCA2 c.5655C>A (p.Cys1885*) variant causes the premature termination of BRCA2 protein synthesis. This variant has been reported in the published literature in individuals with breast cancer (PMID: 25186627 (2015), 29446198 (2018)). This variant has not been reported in large, multi-ethnic general populations (Genome Aggregation Database). Based on the available information, this variant is classified as pathogenic .

Ambry Genetics
Classification: Pathogenic for Hereditary cancer-predisposing syndrome. Last evaluated: 2024-10-15. Review status: criteria provided, single submitter. Criteria: Ambry Variant Classification Scheme 2023. Collection method: clinical testing. Allele origin: germline. Not counted in ClinVar's aggregate classification.
Comment: The p.C1885* pathogenic mutation (also known as c.5655C>A), located in coding exon 10 of the BRCA2 gene, results from a C to A substitution at nucleotide position 5655. This changes the amino acid from a cysteine to a stop codon within coding exon 10. This variant is considered to be rare based on population cohorts in the Genome Aggregation Database (gnomAD). This alteration is expected to result in loss of function by premature protein truncation or nonsense-mediated mRNA decay. As such, this alteration is interpreted as a disease-causing mutation.

Molecular Pathology, Peter Maccallum Cancer Centre
Classification: Pathogenic for Breast-ovarian cancer, familial, susceptibility to, 2. Last evaluated: 2024-08-13. Review status: criteria provided, single submitter. Criteria: ACMG Guidelines, 2015. Collection method: clinical testing. Allele origin: germline. Inheritance: Autosomal dominant inheritance. Not counted in ClinVar's aggregate classification.

Mayo Clinic Laboratories, Mayo Clinic
Classification: Pathogenic. Last evaluated: 2024-04-02. Review status: criteria provided, single submitter. Criteria: ACMG Guidelines, 2015. Collection method: clinical testing. Allele origin: germline. Observed: 1 variant allele. Not counted in ClinVar's aggregate classification.
Comment: PM2, PM5, PVS1

All of Us Research Program, National Institutes of Health
Classification: Pathogenic for Breast-ovarian cancer, familial, susceptibility to, 2. Last evaluated: 2024-01-08. Review status: criteria provided, single submitter. Criteria: ACMG Guidelines, 2015. Collection method: clinical testing. Allele origin: germline. Inheritance: Autosomal dominant inheritance. Observed: 1 variant allele, 1 heterozygote. Not counted in ClinVar's aggregate classification.
Comment: This variant changes 1 nucleotide in exon 11 of the BRCA2 gene, creating a premature translation stop signal. This variant is expected to result in an absent or non-functional protein product. This variant has been reported in at least one individual affected with breast cancer (PMID: 25186627) and has been identified in 3 families among the CIMBA participants (PMID: 29446198). This variant has not been identified in the general population by the Genome Aggregation Database (gnomAD). Loss of BRCA2 function is a known mechanism of disease. Based on the available evidence, this variant is classified as Pathogenic.

This study involves interpretation of variants in research participants for the purpose of population health screening. Participant phenotype was not available at the time of variant classification. Additional details can be found in publication PMID: 35346344, PMCID: PMC8962531

Color Diagnostics, LLC DBA Color Health
Classification: Pathogenic for Hereditary cancer-predisposing syndrome. Last evaluated: 2023-11-15. Review status: criteria provided, single submitter. Criteria: ACMG Guidelines, 2015. Collection method: clinical testing. Allele origin: germline. Not counted in ClinVar's aggregate classification.
Comment: This variant changes 1 nucleotide in exon 11 of the BRCA2 gene, creating a premature translation stop signal. This variant is expected to result in an absent or non-functional protein product. This variant has been reported in at least one individual affected with breast cancer (PMID: 25186627) and has been identified in 3 families among the CIMBA participants (PMID: 29446198). This variant has not been identified in the general population by the Genome Aggregation Database (gnomAD). Loss of BRCA2 function is a known mechanism of disease. Based on the available evidence, this variant is classified as Pathogenic.

ARUP Laboratories, Molecular Genetics and Genomics, ARUP Laboratories
Classification: Pathogenic. Last evaluated: 2021-05-29. Review status: criteria provided, single submitter. Criteria: ARUP Molecular Germline Variant Investigation Process 2021. Collection method: clinical testing. Allele origin: germline. Not counted in ClinVar's aggregate classification.
Comment: The BRCA2 c.5655C>A; p.Cys1885Ter variant (rs80358789) is reported in several individuals and families with hereditary breast and ovarian cancer (Rebbeck 2018, Tung 2015). The variant is reported as pathogenic by several sources in the ClinVar database (Variation ID: 37985) but is absent from general population databases (Exome Variant Server, Genome Aggregation Database), indicating it is not a common polymorphism. This variant induces an early termination codon and is predicted to result in a truncated protein or mRNA subject to nonsense-mediated decay. Based on available information, this variant is considered to be pathogenic. References: Rebbeck TR et al. Mutational spectrum in a worldwide study of 29,700 families with BRCA1 or BRCA2 mutations. Hum Mutat. 2018 May;39(5):593-620. PMID: 2944619. Tung N et al. Frequency of mutations in individuals with breast cancer referred for BRCA1 and BRCA2 testing using next-generation sequencing with a 25-gene panel. Cancer. 2015 Jan 1;121(1):25-33. PMID: 25186627.

Women's Health and Genetics/Laboratory Corporation of America, LabCorp
Classification: Pathogenic for Hereditary breast and ovarian cancer syndrome. Last evaluated: 2018-04-20. Review status: criteria provided, single submitter. Criteria: LabCorp Variant Classification Summary - May 2015. Collection method: clinical testing. Allele origin: germline. Not counted in ClinVar's aggregate classification.
Comment: Variant summary: BRCA2 c.5655C>A (p.Cys1885X) results in a premature termination codon, predicted to cause a truncation of the encoded protein or absence of the protein due to nonsense mediated decay, which are commonly known mechanisms for disease. Truncations downstream of this position have been classified as pathogenic by our laboratory (eg. c.5656C>T, p.Gln1886X; c.5681dupA, p.Tyr1894X; c.5682C>G, p.Tyr1894X). The variant was absent in 30948 control chromosomes (gnomAD). The variant, c.5655C>A, has been reported in the literature in one individual affected with Hereditary Breast and Ovarian Cancer (Tung_2015). To our knowledge, no experimental evidence demonstrating an impact on protein function has been reported. Six clinical diagnostic laboratories have submitted clinical-significance assessments for this variant to ClinVar after 2014 without evidence for independent evaluation. All laboratories classified the variant as pathogenic. Based on the evidence outlined above, the variant was classified as pathogenic.

Consortium of Investigators of Modifiers of BRCA1/2 (CIMBA), c/o University of Cambridge
Classification: Pathogenic for Breast-ovarian cancer, familial, susceptibility to, 2. Last evaluated: 2015-10-02. Review status: criteria provided, single submitter. Criteria: CIMBA Mutation Classification guidelines May 2016. Collection method: clinical testing. Allele origin: germline. Not counted in ClinVar's aggregate classification.

Research Molecular Genetics Laboratory, Women's College Hospital, University of Toronto
Classification: Pathogenic for Hereditary breast ovarian cancer syndrome. Last evaluated: 2014-01-31. Review status: no assertion criteria provided. Collection method: research. Allele origin: germline. Affected: yes. Study: The Canadian Open Genetics Repository (COGR). Not counted in ClinVar's aggregate classification.

Sharing Clinical Reports Project (SCRP)
Classification: Pathogenic for Breast-ovarian cancer, familial 2. Last evaluated: 2012-05-01. Review status: no assertion criteria provided. Collection method: clinical testing. Allele origin: germline. Not counted in ClinVar's aggregate classification.

Breast Cancer Information Core (BIC) (BRCA2)
Classification: Pathogenic for Breast-ovarian cancer, familial 2. Last evaluated: 2002-05-29. Review status: no assertion criteria provided. Collection method: clinical testing. Allele origin: germline. Affected: yes. Observed: 1 variant allele. Not counted in ClinVar's aggregate classification.

Literature cited by the submitters: PubMed 20104584 (cited by Labcorp Genetics (formerly Invitae), Labcorp); PubMed 25186627 (cited by 6 submitters); PubMed 29446198 (cited by 3 submitters); PubMed 26295337 (cited by Quest Diagnostics Nichols Institute San Juan Capistrano).